The following is an entry in ClinVar:

ClinVar aggregate classification (germline): Uncertain significance (1 of 4 stars; one submission).

Submission:

Labcorp Genetics (formerly Invitae), Labcorp
Classification: Uncertain significance. Last evaluated: 2025-02-07. Review status: criteria provided, single submitter. Criteria: Invitae Variant Classification Sherloc (09022015). Collection method: clinical testing. Allele origin: germline.
Comment: This sequence change replaces lysine, which is basic and polar, with asparagine, which is neutral and polar, at codon 541 of the CACNA1D protein (p.Lys541Asn). This variant is not present in population databases (gnomAD no frequency). This variant has not been reported in the literature in individuals affected with CACNA1D-related conditions. Invitae Evidence Modeling of protein sequence and biophysical properties (such as structural, functional, and spatial information, amino acid conservation, physicochemical variation, residue mobility, and thermodynamic stability) has been performed for this missense variant. However, the output from this modeling did not meet the statistical confidence thresholds required to predict the impact of this variant on CACNA1D protein function. In summary, the available evidence is currently insufficient to determine the role of this variant in disease. Therefore, it has been classified as a Variant of Uncertain Significance.

NM_001128840.3(CACNA1D):c.1563G>C (p.Lys521Asn)

Gene: CACNA1D (calcium voltage-gated channel subunit alpha1 D; plus strand). Cytogenetic location: 3p21.1.
Variant type: single nucleotide variant.
Coding change: c.1563G>C on transcript NM_001128840.3 (MANE Select); coding-DNA position 1563, G replaced by C.
Protein change: p.Lys521Asn; replaces lysine 521 with asparagine.
Molecular consequence: missense variant.
Genome position (GRCh38, 1-based): chr3:53,722,371, G>C. VCF-style: chr3-53722371-G-C. GRCh37 (hg19) VCF-style: chr3-53756398-G-C.
Other names: c.1623G>C, p.Lys541Asn (NM_000720.4); c.1563G>C, p.Lys521Asn (NM_001128839.3); short protein forms K541N, K521N.
Identifiers: ClinVar variation 4742205 (VCV004742205.1).
Genomic context (GRCh38, chr3:53,722,371, plus strand): 5'-TAGCCGACGCTGGCGTCGCTGGAACCGATTCAATCGCAGAAGATGTAGGGCCGCCGTGAA[G>C]TCTGTCACGTTTTACTGGCTGGTTATCGTCCTGGTGTTTCTGAACACCTTAACCATTTCC-3'
Protein context (NP_001122312.1, residues 511-531): FNRRRCRAAV[Lys521Asn]SVTFYWLVIV